The following is an entry in ClinVar:

ClinVar aggregate classification (germline): Uncertain significance (1 of 4 stars; one submission).

Conditions:
Bethlem myopathy 1A. Also called: Bethlem Muscular Dystrophy; MYOPATHY, BENIGN CONGENITAL, WITH CONTRACTURES; Bethlem myopathy 1. Identifiers: Orphanet 610, MedGen CN029274, MONDO:0024530, OMIM 158810.

Submission:

Labcorp Genetics (formerly Invitae), Labcorp
Classification: Uncertain significance for Bethlem myopathy 1A. Last evaluated: 2020-08-20. Review status: criteria provided, single submitter. Criteria: Invitae Variant Classification Sherloc (09022015). Collection method: clinical testing. Allele origin: germline.
Comment: In summary, the available evidence is currently insufficient to determine the role of this variant in disease. Therefore, it has been classified as a Variant of Uncertain Significance. Algorithms developed to predict the effect of missense changes on protein structure and function are either unavailable or do not agree on the potential impact of this missense change (SIFT: "Tolerated"; PolyPhen-2: "Possibly Damaging"; Align-GVGD: "Class C0"). This variant has not been reported in the literature in individuals with COL6A1-related conditions. This variant is not present in population databases (ExAC no frequency). This sequence change replaces leucine with proline at codon 891 of the COL6A1 protein (p.Leu891Pro). The leucine residue is weakly conserved and there is a moderate physicochemical difference between leucine and proline.

NM_001848.3(COL6A1):c.2672T>C (p.Leu891Pro)

Gene: COL6A1 (collagen type VI alpha 1 chain; plus strand). Cytogenetic location: 21q22.3.
Variant type: single nucleotide variant.
Coding change: c.2672T>C on transcript NM_001848.3 (MANE Select); coding-DNA position 2672, T replaced by C.
Protein change: p.Leu891Pro; replaces leucine 891 with proline.
Molecular consequence: missense variant.
Genome position (GRCh38, 1-based): chr21:46,003,598, T>C. VCF-style: chr21-46003598-T-C. GRCh37 (hg19) VCF-style: chr21-47423512-T-C.
Other names: short protein forms L891P.
Identifiers: ClinVar variation 1010367 (VCV001010367.8), dbSNP rs2077862405, ClinGen allele CA410540531.